The following is an entry in ClinVar:

ClinVar aggregate classification (germline): Uncertain significance (1 of 4 stars; one submission).

Conditions:
Symmetrical dyschromatosis of extremities (DSH). Also called: RETICULATE ACROPIGMENTATION OF DOHI; SYMMETRIC DYSCHROMATOSIS OF THE EXTREMITIES; Dyschromatosis symmetrica hereditaria; DYSCHROMATOSIS SYMMETRICA HEREDITARIA 1. Identifiers: Orphanet 41, MedGen C0406775, MONDO:0007483, OMIM 127400.
Aicardi-Goutieres syndrome 6 (AGS6). Identifiers: Orphanet 51, MedGen C3539013, MONDO:0014007, OMIM 615010.

gnomAD v4.1: 2 of 1,614,086 alleles (0.00012%); highest among the groups gnomAD compares: South Asian, 0.0011%; no homozygotes.

Submission:

Labcorp Genetics (formerly Invitae), Labcorp
Classification: Uncertain significance for Aicardi-Goutieres syndrome 6; Symmetrical dyschromatosis of extremities. Last evaluated: 2024-03-21. Review status: criteria provided, single submitter. Criteria: Invitae Variant Classification Sherloc (09022015). Collection method: clinical testing. Allele origin: germline.
Comment: This sequence change replaces phenylalanine, which is neutral and non-polar, with leucine, which is neutral and non-polar, at codon 482 of the ADAR protein (p.Phe482Leu). This variant is present in population databases (rs771313451, gnomAD 0.003%). This variant has not been reported in the literature in individuals affected with ADAR-related conditions. Advanced modeling of protein sequence and biophysical properties (such as structural, functional, and spatial information, amino acid conservation, physicochemical variation, residue mobility, and thermodynamic stability) performed at Invitae indicates that this missense variant is not expected to disrupt ADAR protein function with a negative predictive value of 80%. In summary, the available evidence is currently insufficient to determine the role of this variant in disease. Therefore, it has been classified as a Variant of Uncertain Significance.

NM_001111.5(ADAR):c.1444T>C (p.Phe482Leu)

Gene: ADAR (adenosine deaminase RNA specific; minus strand). Cytogenetic location: 1q21.3.
Variant type: single nucleotide variant.
Coding change: c.1444T>C on transcript NM_001111.5 (MANE Select); coding-DNA position 1444, T replaced by C.
Protein change: p.Phe482Leu; replaces phenylalanine 482 with leucine.
Molecular consequence: missense variant.
Genome position (GRCh38, 1-based): chr1:154,601,198, A>G on the plus strand (T>C on the coding strand, the complement: ADAR is on the minus strand). VCF-style: chr1-154601198-A-G. GRCh37 (hg19) VCF-style: chr1-154573674-A-G.
Other names: c.559T>C, p.Phe187Leu (NM_001025107.3, NM_001193495.2, NM_001365046.1 and 3 more transcripts); c.1471T>C, p.Phe491Leu (NM_001365045.1); c.1444T>C, p.Phe482Leu (NM_015840.4, NM_015841.4); short protein forms F187L, F482L, F491L.
Identifiers: ClinVar variation 3755147 (VCV003755147.2).